The following is an entry in ClinVar:

ClinVar aggregate classification (germline): Uncertain significance (1 of 4 stars; one submission).

Conditions:
Ehlers-Danlos syndrome, classic type, 1 (EDSCL1). Also called: Ehlers-Danlos syndrome, type 1; Ehlers-Danlos Syndrome, Classic Type, COL5A1-Related; EDS I; EHLERS-DANLOS SYNDROME, GRAVIS TYPE; EHLERS-DANLOS SYNDROME, SEVERE CLASSIC TYPE. Identifiers: MedGen C0268335, MONDO:0019567, OMIM 130000.

gnomAD v4.1: 3 of 1,608,110 alleles (0.00019%); highest among the groups gnomAD compares: South Asian, 0.0011%; no homozygotes.

Submission:

Labcorp Genetics (formerly Invitae), Labcorp
Classification: Uncertain significance for Ehlers-Danlos syndrome, classic type, 1. Last evaluated: 2022-01-19. Review status: criteria provided, single submitter. Criteria: Invitae Variant Classification Sherloc (09022015). Collection method: clinical testing. Allele origin: germline.
Comment: This variant has not been reported in the literature in individuals affected with COL5A1-related conditions. In summary, the available evidence is currently insufficient to determine the role of this variant in disease. Therefore, it has been classified as a Variant of Uncertain Significance. This variant disrupts the triple helix domain of COL5A1. Glycine residues within the Gly-Xaa-Yaa repeats of the triple helix domain are required for the structure and stability of fibrillar collagens (PMID: 7695699, 8218237, 19344236), and variants at these glycine residues in COL5A1 are more frequently observed in individuals with disease than in the general population (PMID: 22696272, 23587214). However, the clinical significance of this observation remains uncertain since only a limited number of affected individuals have been described to date. Advanced modeling of protein sequence and biophysical properties (such as structural, functional, and spatial information, amino acid conservation, physicochemical variation, residue mobility, and thermodynamic stability) performed at Invitae indicates that this missense variant is expected to disrupt COL5A1 protein function. This variant is not present in population databases (gnomAD no frequency). This sequence change replaces glycine, which is neutral and non-polar, with arginine, which is basic and polar, at codon 1156 of the COL5A1 protein (p.Gly1156Arg).

Literature cited by the submitters: PubMed 7695699; PubMed 8218237; PubMed 19344236; PubMed 22696272; PubMed 23587214.

NM_000093.5(COL5A1):c.3466G>A (p.Gly1156Arg)

Gene: COL5A1 (collagen type V alpha 1 chain; plus strand). Cytogenetic location: 9q34.3.
Variant type: single nucleotide variant.
Coding change: c.3466G>A on transcript NM_000093.5 (MANE Select); coding-DNA position 3466, G replaced by A.
Protein change: p.Gly1156Arg; replaces glycine 1156 with arginine.
Molecular consequence: missense variant.
Genome position (GRCh38, 1-based): chr9:134,809,282, G>A. VCF-style: chr9-134809282-G-A. GRCh37 (hg19) VCF-style: chr9-137701128-G-A.
Other names: c.3466G>A, p.Gly1156Arg (NM_001278074.1); short protein forms G1156R.
Identifiers: ClinVar variation 1903180 (VCV001903180.5), dbSNP rs1382126383, ClinGen allele CA375453115.